The following is an entry in ClinVar:

ClinVar aggregate classification (germline): Pathogenic (1 of 4 stars; one submission).

Submission:

Quest Diagnostics Nichols Institute San Juan Capistrano
Classification: Pathogenic. Last evaluated: 2023-12-18. Review status: criteria provided, single submitter. Criteria: ACMG/ClinGen CNV Guidelines, 2019. Collection method: clinical testing. Allele origin: unknown.
Comment: This copy number loss represents the recurrent 16p13.11 BP2-BP3 deletion region (ISCA-37415), containing the proposed critical genes NDE1 (OMIM 609449) and MYH11 (OMIM 160745) (Granata 2022, Heinzen 2010, Nagamani 2011, Ullmann 2007). Inheritance from an unaffected or mildly affected parent has been reported. This copy number variant (CNV) is classified as pathogenic. References: Granata et al., Front Genet. 2022 Mar 15;13:798607. PMID: 35368691; Heinzen et al., Am J Hum Genet. 2010 May 14;86(5):707-18. PMID: 20398883; Nagamani et al., Eur J Hum Genet. 2011 Mar;19(3):280-6. PMID: 21150890; Ullmann et al., Hum Mutat. 2007 Jul;28(7):674-82. PMID: 17480036

GRCh37/hg19 16p13.11(chr16:15449697-16391045)x1

Genes: ABCC1 (ATP binding cassette subfamily C member 1 (ABCC1 blood group); plus strand), ABCC6 (ATP binding cassette subfamily C member 6; minus strand), BMERB1 (bMERB domain containing 1; plus strand), CEP20 (centrosomal protein 20; minus strand), MARF1 (meiosis regulator and mRNA stability factor 1; minus strand) and 5 more. Cytogenetic location: 16p13.11.
Variant type: copy number loss.
Change: copy number 1 (one copy instead of two) of chr16:15,449,697-16,391,045 (941.3 kb, GRCh37 coordinates, 1-based), cytogenetic band 16p13.11.
Identifiers: ClinVar variation 1807809 (VCV001807809.1).